The following is an entry in ClinVar:

NM_001282680.3(GAPVD1):c.1128C>A (p.Ala376=)

Gene: GAPVD1 (GTPase activating protein and VPS9 domains 1; plus strand). Cytogenetic location: 9q33.3.
Variant type: single nucleotide variant.
Coding change: c.1128C>A on transcript NM_001282680.3 (MANE Select); coding-DNA position 1128, C replaced by A.
Protein change: p.Ala376=; no amino-acid change (alanine 376 retained).
Molecular consequence: synonymous variant. On other transcripts: non-coding transcript variant (2).
Genome position (GRCh38, 1-based): chr9:125,307,424, C>A. VCF-style: chr9-125307424-C-A. GRCh37 (hg19) VCF-style: chr9-128069703-C-A.
Other names: c.1128C>A, p.Ala376= (NM_001282679.2, NM_001282681.3, NM_001330777.3 and 11 more transcripts).
Identifiers: ClinVar variation 1250322 (VCV001250322.5), dbSNP rs13299973, ClinGen allele CA5240088.
Genomic context (GRCh38, chr9:125,307,424, plus strand): 5'-CCAGTATTTTAAAGGGAAATGTTTCACTGTTTTTTTCCTGTTTTAACAGAGCTGTGTTGC[C>A]GCTTTCCTTGATGTTGTGATTGGGGGCCGTGCAGTGGAGACCCCTCCATTGTCTTCCGTC-3'
Protein context (NP_001269609.1, residues 366-386): SLGKFDKSCV[Ala376=]AFLDVVIGGR

ClinVar aggregate classification (germline): Benign. Review status: criteria provided, multiple submitters, no conflicts (2 of 4 stars). 3 submissions from 3 submitters: Benign (2). 1 of the submissions does not count toward it. Last evaluated 2021-05-04.

Conditions:
FAM157B-related disorder. Also called: FAM157B-related condition.

Allele frequency attached by ClinVar (database versions not stated): 1000 Genomes Project 30x 0.03576; 1000 Genomes Project 0.03774; TOPMed 0.04750; ESP Exome Variant Server 0.05321; ExAC 0.06654.
gnomAD v4.1: 112,580 of 1,601,560 alleles (7%); highest among the groups gnomAD compares: Non-Finnish European, 7.6%; 4,595 homozygotes.

Submissions (3):

GeneDx
Classification: Benign. Last evaluated: 2021-05-04. Review status: criteria provided, single submitter. Criteria: GeneDx Variant Classification Process June 2021. Collection method: clinical testing. Allele origin: germline. Affected: yes.

Breakthrough Genomics
Classification: Benign. Review status: criteria provided, single submitter. Criteria: ACMG Guidelines, 2015. Collection method: not provided. Allele origin: germline. Inheritance: Unknown mechanism. Affected: yes.

PreventionGenetics, part of Exact Sciences
Classification: Benign for FAM157B-related condition. Last evaluated: 2019-07-18. Review status: no assertion criteria provided. Collection method: clinical testing. Allele origin: germline. Not counted in ClinVar's aggregate classification.
Comment: This variant is classified as benign based on ACMG/AMP sequence variant interpretation guidelines (Richards et al. 2015 PMID: 25741868, with internal and published modifications).